The following is an entry in ClinVar:

ClinVar aggregate classification (germline): Likely benign (1 of 4 stars; one submission).

Allele frequency attached by ClinVar (database versions not stated): gnomAD 0.00648 and 0.00699.

Submission:

GeneDx
Classification: Likely benign. Last evaluated: 2020-05-25. Review status: criteria provided, single submitter. Criteria: GeneDx Variant Classification Process June 2021. Collection method: clinical testing. Allele origin: germline. Affected: yes.
Comment: See Variant Classification Assertion Criteria.

NM_002449.5(MSX2):c.380-191del

Gene: MSX2 (msh homeobox 2; plus strand). Cytogenetic location: 5q35.2.
Variant type: Deletion.
Coding change: c.380-191del on transcript NM_002449.5 (MANE Select); 191 bases into the intron before coding-DNA position 380, one base deleted (T; older notation c.380-191delT).
Molecular consequence: intron variant.
Genome position (GRCh38, 1-based): chr5:174,728,968, T deleted. VCF-style (leftmost placement, unchanged base first): chr5-174728967-AT-A. GRCh37 (hg19) VCF-style: chr5-174155970-AT-A.
Other names: c.*4-191del (NM_001363626.2).
Identifiers: ClinVar variation 1686701 (VCV001686701.2), dbSNP rs1561642742, ClinGen allele CA564857276.